The following is an entry in ClinVar:

ClinVar aggregate classification (germline): Likely pathogenic. Review status: criteria provided, multiple submitters, no conflicts (2 of 4 stars). 2 submissions from 2 submitters: Likely pathogenic (2). Last evaluated 2025-05-11.

Conditions:
Lipoic acid synthetase deficiency. Also called: HYPERGLYCINEMIA, LACTIC ACIDOSIS, AND SEIZURES. Identifiers: Orphanet 401859, MedGen C3280887, MONDO:0013762, OMIM 614462.

Allele frequency attached by ClinVar (database versions not stated): gnomAD exomes 0.00001; TOPMed 0.00001.

Submissions (2):

Labcorp Genetics (formerly Invitae), Labcorp
Classification: Likely pathogenic for Lipoic acid synthetase deficiency. Last evaluated: 2025-05-11. Review status: criteria provided, single submitter. Criteria: Invitae Variant Classification Sherloc (09022015). Collection method: clinical testing. Allele origin: germline.
Comment: This sequence change affects a donor splice site in intron 9 of the LIAS gene. It is expected to disrupt RNA splicing. Variants that disrupt the donor or acceptor splice site typically lead to a loss of protein function (PMID: 16199547), and loss-of-function variants in LIAS are known to be pathogenic (PMID: 24334290, 27923773). The frequency data for this variant in the population databases is considered unreliable, as metrics indicate poor data quality at this position in the gnomAD database. This variant has not been reported in the literature in individuals affected with LIAS-related conditions. ClinVar contains an entry for this variant (Variation ID: 379693). Algorithms developed to predict the effect of sequence changes on RNA splicing suggest that this variant may disrupt the consensus splice site. In summary, the currently available evidence indicates that the variant is pathogenic, but additional data are needed to prove that conclusively. Therefore, this variant has been classified as Likely Pathogenic.

GeneDx
Classification: Likely pathogenic. Last evaluated: 2021-02-11. Review status: criteria provided, single submitter. Criteria: GeneDx Variant Classification Process June 2021. Collection method: clinical testing. Allele origin: germline. Affected: yes.
Comment: Has not been previously published as pathogenic or benign to our knowledge; Not observed at a significant frequency in large population cohorts (Lek et al., 2016); Canonical splice site variant predicted to result in a null allele in a gene for which loss-of-function is a known mechanism of disease; This variant is associated with the following publications: (PMID: 31589614)

Literature cited by the submitters: PubMed 16199547 (cited by Labcorp Genetics (formerly Invitae), Labcorp); PubMed 24334290 (cited by Labcorp Genetics (formerly Invitae), Labcorp); PubMed 27923773 (cited by Labcorp Genetics (formerly Invitae), Labcorp).

NM_006859.4(LIAS):c.954+1G>A

Gene: LIAS (lipoic acid synthetase; plus strand). Cytogenetic location: 4p14.
Variant type: single nucleotide variant.
Coding change: c.954+1G>A on transcript NM_006859.4 (MANE Select); the canonical splice donor site of the intron after coding-DNA position 954, G replaced by A.
Molecular consequence: splice donor variant.
Genome position (GRCh38, 1-based): chr4:39,471,307, G>A. VCF-style: chr4-39471307-G-A. GRCh37 (hg19) VCF-style: chr4-39472927-G-A.
Other names: c.954+1G>A (NM_194451.3); c.825+1G>A (NM_001278590.2); c.645+1G>A (NM_001363700.2).
Identifiers: ClinVar variation 379693 (VCV000379693.7), dbSNP rs965952835, ClinGen allele CA16604727.